The following is an entry in ClinVar:

NM_003242.6(TGFBR2):c.1096A>G (p.Thr366Ala)

Gene: TGFBR2 (transforming growth factor beta receptor 2; plus strand). Cytogenetic location: 3p24.1.
Variant type: single nucleotide variant.
Coding change: c.1096A>G on transcript NM_003242.6 (MANE Select); coding-DNA position 1096, A replaced by G.
Protein change: p.Thr366Ala; replaces threonine 366 with alanine.
Molecular consequence: missense variant.
Genome position (GRCh38, 1-based): chr3:30,672,279, A>G. VCF-style: chr3-30672279-A-G. GRCh37 (hg19) VCF-style: chr3-30713771-A-G.
Other names: c.991A>G, p.Thr331Ala (NM_001407134.1, NM_001407135.1, NM_001407136.1 and 2 more transcripts); c.811A>G, p.Thr271Ala (NM_001407137.1); c.736A>G, p.Thr246Ala (NM_001407138.1); c.1171A>G, p.Thr391Ala (NM_001024847.3); c.1279A>G, p.Thr427Ala (NM_001407126.1); c.1204A>G, p.Thr402Ala (NM_001407127.1); c.1123A>G, p.Thr375Ala (NM_001407128.1); c.1099A>G, p.Thr367Ala (NM_001407129.1); and 1 more; short protein forms T391A, T366A, T246A, T402A, T271A, T331A, T367A, T375A.
Identifiers: ClinVar variation 920063 (VCV000920063.11), dbSNP rs777332888, ClinGen allele CA045643.

ClinVar aggregate classification (germline): Uncertain significance. Review status: criteria provided, multiple submitters, no conflicts (2 of 4 stars). 3 submissions from 3 submitters: Uncertain significance (3). Last evaluated 2025-10-17.

Conditions:
Familial thoracic aortic aneurysm and aortic dissection (TAAD). Also called: Thoracic aortic aneurysms and dissections. Identifiers: Orphanet 91387, MedGen C4707243, MONDO:0019625.
Loeys-Dietz syndrome 2 (LDS2). Also called: TGFBR2-Related Loeys-Dietz Syndrome; AORTIC ANEURYSM, FAMILIAL THORACIC 3; MARFAN SYNDROME, TYPE II; Marfan Syndrome type 2; Marfan like connective tissue disorder; MFS 2. Identifiers: Orphanet 284973, Orphanet 558, MedGen C2674574, MONDO:0012427, OMIM 610168.

Allele frequency attached by ClinVar (database versions not stated): gnomAD exomes below 0.00001; ExAC 0.00001; TOPMed 0.00001.

Submissions (3):

Labcorp Genetics (formerly Invitae), Labcorp
Classification: Uncertain significance for Familial thoracic aortic aneurysm and aortic dissection. Last evaluated: 2025-10-17. Review status: criteria provided, single submitter. Criteria: Invitae Variant Classification Sherloc (09022015). Collection method: clinical testing. Allele origin: germline.
Comment: This sequence change replaces threonine, which is neutral and polar, with alanine, which is neutral and non-polar, at codon 366 of the TGFBR2 protein (p.Thr366Ala). This variant is present in population databases (rs777332888, gnomAD 0.003%). This variant has not been reported in the literature in individuals affected with TGFBR2-related conditions. ClinVar contains an entry for this variant (Variation ID: 920063). Invitae Evidence Modeling of protein sequence and biophysical properties (such as structural, functional, and spatial information, amino acid conservation, physicochemical variation, residue mobility, and thermodynamic stability) has been performed for this missense variant. However, the output from this modeling did not meet the statistical confidence thresholds required to predict the impact of this variant on TGFBR2 protein function. In summary, the available evidence is currently insufficient to determine the role of this variant in disease. Therefore, it has been classified as a Variant of Uncertain Significance.

Color Diagnostics, LLC DBA Color Health
Classification: Uncertain significance for Familial thoracic aortic aneurysm and aortic dissection. Last evaluated: 2024-03-07. Review status: criteria provided, single submitter. Criteria: ACMG Guidelines, 2015. Collection method: clinical testing. Allele origin: germline.
Comment: This missense variant replaces threonine with alanine at codon 391 of the TGFBR2 protein. Computational prediction is inconclusive regarding the impact of this variant on protein structure and function (internally defined REVEL score threshold 0.5 < inconclusive < 0.7, PMID: 27666373). To our knowledge, functional studies have not been reported for this variant. This variant has not been reported in individuals affected with TGFBR2-related disorders in the literature. This variant has been identified in 1/243786 chromosomes in the general population by the Genome Aggregation Database (gnomAD). The available evidence is insufficient to determine the role of this variant in disease conclusively. Therefore, this variant is classified as a Variant of Uncertain Significance.

All of Us Research Program, National Institutes of Health
Classification: Uncertain significance for Loeys-Dietz syndrome 2. Last evaluated: 2023-11-30. Review status: criteria provided, single submitter. Criteria: ACMG Guidelines, 2015. Collection method: clinical testing. Allele origin: germline. Inheritance: Autosomal dominant inheritance. Observed: 2 variant alleles, 2 heterozygotes.
Comment: This missense variant replaces threonine with alanine at codon 391 of the TGFBR2 protein. Computational prediction tool is inconclusive regarding the impact of this variant on protein structure and function (internally defined REVEL score threshold 0.5 < inconclusive < 0.7, PMID: 27666373). Splice site prediction tools suggest that this variant may not impact RNA splicing. To our knowledge, functional studies have not been performed for this variant. This variant has not been reported in individuals affected with cardiovascular disorders in the literature. This variant has been identified in 1/243786 chromosomes in the general population by the Genome Aggregation Database (gnomAD). The available evidence is insufficient to determine the role of this variant in disease conclusively. Therefore, this variant is classified as a Variant of Uncertain Significance.

This study involves interpretation of variants in research participants for the purpose of population health screening. Participant phenotype was not available at the time of variant classification. Additional details can be found in publication PMID: 35346344, PMCID: PMC8962531